The following is an entry in ClinVar:

ClinVar aggregate classification (germline): Uncertain significance (1 of 4 stars; one submission).

Conditions:
Leukocyte adhesion deficiency type II. Also called: CONGENITAL DISORDER OF GLYCOSYLATION, TYPE IIc; CDG IIc; Congenital disorder of glycosylation type 2C; CDG 2C; Leukocyte adhesion deficiency type 2; Rambam Hasharon syndrome. Identifiers: Orphanet 2968, Orphanet 99843, MedGen C0398739, MONDO:0009953, OMIM 266265.

Allele frequency attached by ClinVar (database versions not stated): gnomAD 0.00001; TOPMed 0.00001.

Submission:

Labcorp Genetics (formerly Invitae), Labcorp
Classification: Uncertain significance for Leukocyte adhesion deficiency type II. Last evaluated: 2019-06-26. Review status: criteria provided, single submitter. Criteria: Invitae Variant Classification Sherloc (09022015). Collection method: clinical testing. Allele origin: germline.
Comment: In summary, the available evidence is currently insufficient to determine the role of this variant in disease. Therefore, it has been classified as a Variant of Uncertain Significance. Algorithms developed to predict the effect of missense changes on protein structure and function (SIFT, PolyPhen-2, Align-GVGD) all suggest that this variant is likely to be tolerated, but these predictions have not been confirmed by published functional studies and their clinical significance is uncertain. This variant has not been reported in the literature in individuals with SLC35C1-related disease. This variant is not present in population databases (ExAC no frequency). This sequence change replaces valine with isoleucine at codon 138 of the SLC35C1 protein (p.Val138Ile). The valine residue is highly conserved and there is a small physicochemical difference between valine and isoleucine.

NM_018389.5(SLC35C1):c.412G>A (p.Val138Ile)

Gene: SLC35C1 (solute carrier family 35 member C1; plus strand). Cytogenetic location: 11p11.2.
Variant type: single nucleotide variant.
Coding change: c.412G>A on transcript NM_018389.5 (MANE Select); coding-DNA position 412, G replaced by A.
Protein change: p.Val138Ile; replaces valine 138 with isoleucine.
Molecular consequence: missense variant.
Genome position (GRCh38, 1-based): chr11:45,806,213, G>A. VCF-style: chr11-45806213-G-A. GRCh37 (hg19) VCF-style: chr11-45827764-G-A.
Other names: c.373G>A, p.Val125Ile (NM_001145265.2, NM_001145266.2); short protein forms V125I, V138I.
Identifiers: ClinVar variation 841242 (VCV000841242.7), dbSNP rs1235114730, ClinGen allele CA380202926.